The following is an entry in ClinVar:

NM_002047.4(GARS1):c.236G>A (p.Arg79Gln)

Gene: GARS1 (glycyl-tRNA synthetase 1; plus strand). Cytogenetic location: 7p14.3.
Variant type: single nucleotide variant.
Coding change: c.236G>A on transcript NM_002047.4 (MANE Select); coding-DNA position 236, G replaced by A.
Protein change: p.Arg79Gln; replaces arginine 79 with glutamine.
Molecular consequence: missense variant.
Genome position (GRCh38, 1-based): chr7:30,598,809, G>A. VCF-style: chr7-30598809-G-A. GRCh37 (hg19) VCF-style: chr7-30638425-G-A.
Other names: c.236G>A (LRG_243t1); c.74G>A, p.Arg25Gln (NM_001316772.1); short protein forms R79Q, R25Q.
Identifiers: ClinVar variation 188197 (VCV000188197.33), dbSNP rs369466037, ClinGen allele CA334289.

ClinVar aggregate classification (germline): Conflicting classifications of pathogenicity. Review status: criteria provided, conflicting classifications (1 of 4 stars). 9 submissions from 9 submitters: Uncertain significance (2); Likely benign (5). 2 of the submissions do not count toward it. Last evaluated 2025-12-16.

Conditions:
Charcot-Marie-Tooth disease type 2. Also called: Charcot-Marie-Tooth type 2. Identifiers: Orphanet 64746, MedGen C0270914, MONDO:0018993.

Allele frequency attached by ClinVar (database versions not stated): ExAC 0.00007; gnomAD exomes 0.00009 and 0.00022; gnomAD 0.00011; TOPMed 0.00011; ESP Exome Variant Server 0.00034.

Submissions (9):

Labcorp Genetics (formerly Invitae), Labcorp
Classification: Uncertain significance for Charcot-Marie-Tooth disease type 2. Last evaluated: 2025-12-16. Review status: criteria provided, single submitter. Criteria: Invitae Variant Classification Sherloc (09022015). Collection method: clinical testing. Allele origin: germline.
Comment: This sequence change replaces arginine, which is basic and polar, with glutamine, which is neutral and polar, at codon 79 of the GARS protein (p.Arg79Gln). This variant is present in population databases (rs369466037, gnomAD 0.02%). This missense change has been observed in individual(s) with Charcot-Marie-Tooth disease (PMID: 32376792). ClinVar contains an entry for this variant (Variation ID: 188197). Invitae Evidence Modeling of protein sequence and biophysical properties (such as structural, functional, and spatial information, amino acid conservation, physicochemical variation, residue mobility, and thermodynamic stability) indicates that this missense variant is not expected to disrupt GARS protein function with a negative predictive value of 80%. In summary, the available evidence is currently insufficient to determine the role of this variant in disease. Therefore, it has been classified as a Variant of Uncertain Significance.

Blueprint Genetics
Classification: Likely benign. Last evaluated: 2024-11-11. Review status: criteria provided, single submitter. Criteria: ACMG Guidelines, 2015. Collection method: clinical testing. Allele origin: germline.

CeGaT Center for Human Genetics Tuebingen
Classification: Likely benign. Last evaluated: 2024-11-01. Review status: criteria provided, single submitter. Criteria: CeGaT Center For Human Genetics Tuebingen Variant Classification Criteria Version 2. Collection method: clinical testing. Allele origin: germline. Affected: yes. Observed: 1 variant allele.
Comment: GARS1: BS2

ARUP Laboratories, Molecular Genetics and Genomics, ARUP Laboratories
Classification: Uncertain significance. Last evaluated: 2024-02-26. Review status: criteria provided, single submitter. Criteria: ARUP Molecular Germline Variant Investigation Process 2024. Collection method: clinical testing. Allele origin: germline.
Comment: The GARS1 c.236G>A; p.Arg79Gln variant (rs369466037) is reported in the literature in an individual affected with Charcot-Marie-Tooth disease, although its clinical significance was not demonstrated (Volodarsky 2021). This variant is found in the non-Finnish European population with an allele frequency of 0.02% (23/128,638 alleles) in the Genome Aggregation Database (v2.1.1). Computational analyses are uncertain whether this variant is neutral or deleterious (REVEL: 0.69). Due to limited information, the clinical significance of this variant is uncertain at this time. References: Volodarsky M et al. Comprehensive genetic sequence and copy number analysis for Charcot-Marie-Tooth disease in a Canadian cohort of 2517 patients. J Med Genet. 2021 Apr;58(4):284-288. PMID: 32376792.

GeneDx
Classification: Likely benign. Last evaluated: 2021-05-18. Review status: criteria provided, single submitter. Criteria: GeneDx Variant Classification Process June 2021. Collection method: clinical testing. Allele origin: germline. Affected: yes.
Comment: In silico analysis supports that this missense variant has a deleterious effect on protein structure/function; Has not been previously published as pathogenic or benign to our knowledge

Ambry Genetics
Classification: Likely benign. Last evaluated: 2020-03-18. Review status: criteria provided, single submitter. Criteria: Ambry Variant Classification Scheme 2023. Collection method: clinical testing. Allele origin: germline.

Athena Diagnostics
Classification: Likely benign. Last evaluated: 2019-12-18. Review status: criteria provided, single submitter. Criteria: Athena Diagnostics Criteria. Collection method: clinical testing. Allele origin: unknown.

Clinical Genetics, Academic Medical Center
Classification: Uncertain significance. Review status: no assertion criteria provided. Collection method: clinical testing. Allele origin: germline. Affected: yes. Study: VKGL Data-share Consensus. Not counted in ClinVar's aggregate classification.

Joint Genome Diagnostic Labs from Nijmegen and Maastricht, Radboudumc and MUMC+
Classification: Uncertain significance. Review status: no assertion criteria provided. Collection method: clinical testing. Allele origin: germline. Affected: yes. Study: VKGL Data-share Consensus. Not counted in ClinVar's aggregate classification.

Literature cited by the submitters: PubMed 32376792 (cited by Labcorp Genetics (formerly Invitae), Labcorp).